The following is an entry in ClinVar:

NM_198506.5(LRIT3):c.1361T>C (p.Val454Ala)

Gene: LRIT3 (leucine rich repeat, Ig-like and transmembrane domains 3; plus strand). Cytogenetic location: 4q25.
Variant type: single nucleotide variant.
Coding change: c.1361T>C on transcript NM_198506.5 (MANE Select); coding-DNA position 1361, T replaced by C.
Protein change: p.Val454Ala; replaces valine 454 with alanine.
Molecular consequence: missense variant.
Genome position (GRCh38, 1-based): chr4:109,870,110, T>C. VCF-style: chr4-109870110-T-C. GRCh37 (hg19) VCF-style: chr4-110791266-T-C.
Other names: short protein forms V454A.
Identifiers: ClinVar variation 842043 (VCV000842043.6), dbSNP rs769022952, ClinGen allele CA3043177.

ClinVar aggregate classification (germline): Uncertain significance (1 of 4 stars; one submission).

Allele frequency attached by ClinVar (database versions not stated): gnomAD exomes below 0.00001; ExAC 0.00001.
gnomAD v4.1: 4 of 1,614,014 alleles (0.00025%); highest among the groups gnomAD compares: East Asian, 0.0022%; no homozygotes.

Submission:

Labcorp Genetics (formerly Invitae), Labcorp
Classification: Uncertain significance. Last evaluated: 2024-10-15. Review status: criteria provided, single submitter. Criteria: Invitae Variant Classification Sherloc (09022015). Collection method: clinical testing. Allele origin: germline.
Comment: This sequence change replaces valine, which is neutral and non-polar, with alanine, which is neutral and non-polar, at codon 454 of the LRIT3 protein (p.Val454Ala). This variant is present in population databases (rs769022952, gnomAD 0.006%). This variant has not been reported in the literature in individuals affected with LRIT3-related conditions. ClinVar contains an entry for this variant (Variation ID: 842043). An algorithm developed to predict the effect of missense changes on protein structure and function outputs the following: PolyPhen-2: "Benign". The alanine amino acid residue is found in multiple mammalian species, which suggests that this missense change does not adversely affect protein function. In summary, the available evidence is currently insufficient to determine the role of this variant in disease. Therefore, it has been classified as a Variant of Uncertain Significance.